The following is an entry in ClinVar:

NM_001372080.1(ZSCAN29):c.228T>C (p.Asn76=)

Gene: ZSCAN29 (zinc finger and SCAN domain containing 29; minus strand). Cytogenetic location: 15q15.3.
Variant type: single nucleotide variant.
Coding change: c.228T>C on transcript NM_001372080.1 (MANE Select); coding-DNA position 228, T replaced by C.
Protein change: p.Asn76=; no amino-acid change (asparagine 76 retained).
Molecular consequence: synonymous variant.
Genome position (GRCh38, 1-based): chr15:43,369,686, A>G on the plus strand (T>C on the coding strand, the complement: ZSCAN29 is on the minus strand). VCF-style: chr15-43369686-A-G. GRCh37 (hg19) VCF-style: chr15-43661884-A-G.
Other names: c.228T>C, p.Asn76= (NM_152455.4).
Identifiers: ClinVar variation 3046552 (VCV003046552.2), dbSNP rs755151008, ClinGen allele CA7523565.

ClinVar aggregate classification (germline): Likely benign (0 of 4 stars; one submission).

Conditions:
ZSCAN29-related disorder. Also called: ZSCAN29-related condition.

Allele frequency attached by ClinVar (database versions not stated): gnomAD exomes below 0.00001; ExAC 0.00001; gnomAD 0.00001.

Submission:

PreventionGenetics, part of Exact Sciences
Classification: Likely benign for ZSCAN29-related condition. Last evaluated: 2022-04-12. Review status: no assertion criteria provided. Collection method: clinical testing. Allele origin: germline.
Comment: This variant is classified as likely benign based on ACMG/AMP sequence variant interpretation guidelines (Richards et al. 2015 PMID: 25741868, with internal and published modifications).